The following is an entry in ClinVar:

ClinVar aggregate classification (germline): Uncertain significance (1 of 4 stars; one submission).

Conditions:
Cardiovascular phenotype. Identifiers: MedGen CN230736.

Submission:

Ambry Genetics
Classification: Uncertain significance for Cardiovascular phenotype. Last evaluated: 2022-03-12. Review status: criteria provided, single submitter. Criteria: Ambry Variant Classification Scheme 2023. Collection method: clinical testing. Allele origin: germline.
Comment: The p.D142E variant (also known as c.426C>G), located in coding exon 4 of the ANKRD1 gene, results from a C to G substitution at nucleotide position 426. The aspartic acid at codon 142 is replaced by glutamic acid, an amino acid with highly similar properties. This amino acid position is conserved. In addition, the in silico prediction for this alteration is inconclusive. Since supporting evidence is limited at this time, the clinical significance of this alteration remains unclear.

NM_014391.3(ANKRD1):c.426C>G (p.Asp142Glu)

Gene: ANKRD1 (ankyrin repeat domain 1; minus strand). Cytogenetic location: 10q23.31.
Variant type: single nucleotide variant.
Coding change: c.426C>G on transcript NM_014391.3 (MANE Select); coding-DNA position 426, C replaced by G.
Protein change: p.Asp142Glu; replaces aspartic acid 142 with glutamic acid.
Molecular consequence: missense variant.
Genome position (GRCh38, 1-based): chr10:90,918,892, G>C on the plus strand (C>G on the coding strand, the complement: ANKRD1 is on the minus strand). VCF-style: chr10-90918892-G-C. GRCh37 (hg19) VCF-style: chr10-92678649-G-C.
Other names: short protein forms D142E.
Identifiers: ClinVar variation 1739230 (VCV001739230.2), dbSNP rs2492960135, ClinGen allele CA377552130.